The following is an entry in ClinVar:

NM_019098.5(CNGB3):c.852+4751A>T

Gene: CNGB3 (cyclic nucleotide gated channel subunit beta 3; minus strand). Cytogenetic location: 8q21.3.
Variant type: single nucleotide variant.
Coding change: c.852+4751A>T on transcript NM_019098.5 (MANE Select); 4751 bases into the intron after coding-DNA position 852, A replaced by T.
Molecular consequence: intron variant.
Genome position (GRCh38, 1-based): chr8:86,662,174, T>A on the plus strand (A>T on the coding strand, the complement: CNGB3 is on the minus strand). VCF-style: chr8-86662174-T-A. GRCh37 (hg19) VCF-style: chr8-87674402-T-A.
Identifiers: ClinVar variation 4698271 (VCV004698271.1).

ClinVar aggregate classification (germline): Pathogenic (1 of 4 stars; one submission).

gnomAD v4.1: 1 of 152,242 alleles (0.00066%); highest among the groups gnomAD compares: Non-Finnish European, 0.0015%; no homozygotes.

Submission:

Labcorp Genetics (formerly Invitae), Labcorp
Classification: Pathogenic. Last evaluated: 2026-01-11. Review status: criteria provided, single submitter. Criteria: Invitae Variant Classification Sherloc (09022015). Collection method: clinical testing. Allele origin: germline.
Comment: This sequence change falls in intron 6 of the CNGB3 gene. It does not directly change the encoded amino acid sequence of the CNGB3 protein. This variant is not present in population databases (gnomAD no frequency). This variant has been observed in individual(s) with achromatopsia (PMID: 32881472). In at least one individual the data is consistent with being in trans (on the opposite chromosome) from a pathogenic variant. It has also been observed to segregate with disease in related individuals. Algorithms developed to predict the effect of sequence changes on RNA splicing suggest that this variant may create or strengthen a splice site. For these reasons, this variant has been classified as Pathogenic.

Literature cited by the submitters: PubMed 32881472.